The following is an entry in ClinVar:

ClinVar aggregate classification (germline): Uncertain significance. Review status: criteria provided, multiple submitters, no conflicts (2 of 4 stars). 5 submissions from 5 submitters: Uncertain significance (4). 1 of the submissions does not count toward it. Last evaluated 2025-07-07.

Conditions:
Cardiovascular phenotype. Identifiers: MedGen CN230736.
Alstrom syndrome (ALMS). Identifiers: Orphanet 64, MedGen C0268425, MONDO:0008763, OMIM 203800.

Allele frequency attached by ClinVar (database versions not stated): ExAC 0.00002; gnomAD 0.00003 and 0.00004; gnomAD exomes 0.00003; TOPMed 0.00005; ESP Exome Variant Server 0.00017.
gnomAD v4.1: 43 of 1,613,610 alleles (0.0027%); highest among the groups gnomAD compares: East Asian, 0.0067%; no homozygotes.

Submissions (5):

Ambry Genetics
Classification: Uncertain significance for Cardiovascular phenotype. Last evaluated: 2025-07-07. Review status: criteria provided, single submitter. Criteria: Ambry Variant Classification Scheme 2023. Collection method: clinical testing. Allele origin: germline.
Comment: The p.R2286C variant (also known as c.6856C>T), located in coding exon 8 of the ALMS1 gene, results from a C to T substitution at nucleotide position 6856. The arginine at codon 2286 is replaced by cysteine, an amino acid with highly dissimilar properties. This amino acid position is poorly conserved in available vertebrate species. In addition, this alteration is predicted to be tolerated by in silico analysis. Since supporting evidence is limited at this time, the clinical significance of this alteration remains unclear.

Labcorp Genetics (formerly Invitae), Labcorp
Classification: Uncertain significance for Alstrom syndrome. Last evaluated: 2023-11-13. Review status: criteria provided, single submitter. Criteria: Invitae Variant Classification Sherloc (09022015). Collection method: clinical testing. Allele origin: germline.
Comment: This sequence change replaces arginine, which is basic and polar, with cysteine, which is neutral and slightly polar, at codon 2286 of the ALMS1 protein (p.Arg2286Cys). This variant is present in population databases (rs375458331, gnomAD 0.006%). This variant has not been reported in the literature in individuals affected with ALMS1-related conditions. ClinVar contains an entry for this variant (Variation ID: 551581). Experimental studies and prediction algorithms are not available or were not evaluated, and the functional significance of this variant is currently unknown. In summary, the available evidence is currently insufficient to determine the role of this variant in disease. Therefore, it has been classified as a Variant of Uncertain Significance.

Fulgent Genetics
Classification: Uncertain significance for Alstrom syndrome. Last evaluated: 2021-11-22. Review status: criteria provided, single submitter. Criteria: ACMG Guidelines, 2015. Collection method: clinical testing. Allele origin: unknown.

Blueprint Genetics
Classification: Uncertain significance. Last evaluated: 2020-10-06. Review status: criteria provided, single submitter. Criteria: ACMG Guidelines, 2015. Collection method: clinical testing. Allele origin: germline.

Counsyl
Classification: Uncertain significance for Alstrom syndrome. Last evaluated: 2017-04-24. Review status: no assertion criteria provided. Collection method: clinical testing. Allele origin: unknown. Not counted in ClinVar's aggregate classification.

NM_001378454.1(ALMS1):c.6853C>T (p.Arg2285Cys)

Gene: ALMS1 (ALMS1 centrosome and basal body associated protein; plus strand). Cytogenetic location: 2p13.1.
Variant type: single nucleotide variant.
Coding change: c.6853C>T on transcript NM_001378454.1 (MANE Select); coding-DNA position 6853, C replaced by T.
Protein change: p.Arg2285Cys; replaces arginine 2285 with cysteine.
Molecular consequence: missense variant.
Genome position (GRCh38, 1-based): chr2:73,453,380, C>T. VCF-style: chr2-73453380-C-T. GRCh37 (hg19) VCF-style: chr2-73680507-C-T.
Other names: c.6856C>T, p.Arg2286Cys (NM_015120.4); short protein forms R2286C, R2285C.
Identifiers: ClinVar variation 551581 (VCV000551581.10), dbSNP rs375458331, ClinGen allele CA1714137.